The following is an entry in ClinVar:

ClinVar aggregate classification (germline): Pathogenic (1 of 4 stars; one submission).

Conditions:
Hereditary cancer-predisposing syndrome. Also called: Neoplastic Syndromes, Hereditary; Tumor predisposition; Hereditary Cancer Syndrome; Hereditary neoplastic syndrome. Identifiers: Orphanet 140162, MedGen C0027672, MeSH D009386, MONDO:0015356.

Submission:

Ambry Genetics
Classification: Pathogenic for Hereditary cancer-predisposing syndrome. Last evaluated: 2021-05-05. Review status: criteria provided, single submitter. Criteria: Ambry Variant Classification Scheme 2023. Collection method: clinical testing. Allele origin: germline.
Comment: The c.3370delT variant, located in coding exon 22 of the ATM gene, results from a deletion of one nucleotide at nucleotide position 3370, causing a translational frameshift with a predicted alternate stop codon (p.Y1124Tfs*2). A different alteration, ATM c.3369delA, which also causes a translation frameshift and an a predicted alternate stop codn (p.Y1124Tfs*2) has been reported in the compound heterozygous state with a second pathogenic mutation in ATM in individuals diagnosed with classic ataxia telangiectasia (Bhatt N et al. Stem Cell Res, 2016 09;17:205-207; Bhatt N et al. Stem Cell Res, 2016 09;17:296-305; Hoche F et al. Cerebellum, 2019 Apr;18:225-244). In addition to the clinical data presented in the literature, this alteration is expected to result in loss of function by premature protein truncation or nonsense-mediated mRNA decay. As such, this alteration is interpreted as a disease-causing mutation.

Literature cited by the submitters: PubMed 27596957; PubMed 27879207; PubMed 30338439.

NM_000051.4(ATM):c.3370del (p.Tyr1124fs)

Gene: ATM (ATM serine/threonine kinase; plus strand). Cytogenetic location: 11q22.3.
Variant type: Deletion.
Coding change: c.3370del on transcript NM_000051.4 (MANE Select); coding-DNA position 3370, one base deleted (T; older notation c.3370delT).
Protein change: p.Tyr1124fs; shifts the reading frame from tyrosine 1124.
Molecular consequence: frameshift variant.
Genome position (GRCh38, 1-based): chr11:108,279,576, T deleted. VCF-style (leftmost placement, unchanged base first): chr11-108279575-AT-A. GRCh37 (hg19) VCF-style: chr11-108150302-AT-A.
Other names: c.3370del, p.Tyr1124fs (NM_001351834.2); short protein forms Y1124fs.
Identifiers: ClinVar variation 1730739 (VCV001730739.2), dbSNP rs2546862740, ClinGen allele CA2580082981.